The following is an entry in ClinVar:

ClinVar aggregate classification (germline): Uncertain significance (1 of 4 stars; one submission).

Submission:

Labcorp Genetics (formerly Invitae), Labcorp
Classification: Uncertain significance. Last evaluated: 2022-02-24. Review status: criteria provided, single submitter. Criteria: Invitae Variant Classification Sherloc (09022015). Collection method: clinical testing. Allele origin: germline.
Comment: This sequence change replaces valine, which is neutral and non-polar, with glycine, which is neutral and non-polar, at codon 2087 of the CAD protein (p.Val2087Gly). This variant is not present in population databases (gnomAD no frequency). This variant has not been reported in the literature in individuals affected with CAD-related conditions. Algorithms developed to predict the effect of missense changes on protein structure and function (SIFT, PolyPhen-2, Align-GVGD) all suggest that this variant is likely to be disruptive. In summary, the available evidence is currently insufficient to determine the role of this variant in disease. Therefore, it has been classified as a Variant of Uncertain Significance.

NM_004341.5(CAD):c.6260T>G (p.Val2087Gly)

Genes: CAD (carbamoyl-phosphate synthetase 2, aspartate transcarbamylase, and dihydroorotase; plus strand), LOC126806172 (CDK7 strongly-dependent group 2 enhancer GRCh37_chr2:27465505-27466704; plus strand). Cytogenetic location: 2p23.3.
Variant type: single nucleotide variant.
Coding change: c.6260T>G on transcript NM_004341.5 (MANE Select); coding-DNA position 6260, T replaced by G.
Protein change: p.Val2087Gly; replaces valine 2087 with glycine.
Molecular consequence: missense variant.
Genome position (GRCh38, 1-based): chr2:27,242,657, T>G. VCF-style: chr2-27242657-T-G. GRCh37 (hg19) VCF-style: chr2-27465525-T-G.
Other names: c.6071T>G, p.Val2024Gly (NM_001306079.2); short protein forms V2024G, V2087G.
Identifiers: ClinVar variation 1362577 (VCV001362577.5), dbSNP rs2148100049, ClinGen allele CA346224671.
Genomic context (GRCh38, chr2:27,242,657, plus strand): 5'-TGGTGACTGGATTCCTCTCCTAGATCACGATGGTGGGTGACCTGAAGCACGGACGCACAG[T>G]ACATTCCCTGGCCTGCCTGCTCACCCAGTATCGTGTCAGCCTGCGCTACGTGGCACCTCC-3'
Protein context (NP_004332.2, residues 2077-2097): MVGDLKHGRT[Val2087Gly]HSLACLLTQY